The following is an entry in ClinVar:

NM_003611.3(OFD1):c.-6C>T

Genes: OFD1 (OFD1 centriole and centriolar satellite protein; plus strand), LOC126863212 (CDK7 strongly-dependent group 2 enhancer GRCh37_chrX:13752241-13753440; plus strand). Cytogenetic location: Xp22.2.
Variant type: single nucleotide variant.
Coding change: c.-6C>T on transcript NM_003611.3 (MANE Select); 6 bases upstream of the start codon, C replaced by T.
Molecular consequence: 5 prime UTR variant.
Genome position (GRCh38, 1-based): chrX:13,735,066, C>T. VCF-style: chrX-13735066-C-T. GRCh37 (hg19) VCF-style: chrX-13753185-C-T.
Other names: c.-6C>T (NM_001330209.2, NM_001440947.1, NM_001440948.1); c.-551C>T (NM_001330210.2).
Identifiers: ClinVar variation 5020653 (VCV005020653.1).

ClinVar aggregate classification (germline): Uncertain significance (1 of 4 stars; one submission).

gnomAD v4.1: 1 of 1,194,769 alleles (0.000084%); highest among the groups gnomAD compares: South Asian, 0.0018%; no homozygotes.

Submission:

Dasa
Classification: Uncertain significance. Last evaluated: 2026-04-30. Review status: criteria provided, single submitter. Criteria: DASA Assertion Criteria. Collection method: clinical testing. Allele origin: germline.
Comment: NM_003611.3(OFD1):c.-6C>T is a splice-region variant. This variant is rare in population databases. Computational prediction algorithms are consistent with a benign effect. The currently available literature and clinical evidence are not sufficient to establish a definitive association between this variant and the reported condition. Therefore, this variant is classified as a variant of uncertain significance.